The following is an entry in ClinVar:

NM_000440.3(PDE6A):c.*2009T>C

Gene: PDE6A (phosphodiesterase 6A; minus strand). Cytogenetic location: 5q32.
Variant type: single nucleotide variant.
Coding change: c.*2009T>C on transcript NM_000440.3 (MANE Select); 2009 bases downstream of the stop codon, T replaced by C.
Molecular consequence: 3 prime UTR variant.
Genome position (GRCh38, 1-based): chr5:149,858,886, A>G on the plus strand (T>C on the coding strand, the complement: PDE6A is on the minus strand). VCF-style: chr5-149858886-A-G. GRCh37 (hg19) VCF-style: chr5-149238449-A-G.
Identifiers: ClinVar variation 351954 (VCV000351954.5), dbSNP rs2005909, ClinGen allele CA10623573.

ClinVar aggregate classification (germline): Benign (1 of 4 stars; one submission).

Conditions:
Retinitis pigmentosa (RP). Identifiers: Orphanet 791, MedGen C0035334, MeSH D012174, MONDO:0019200, OMIM 268000. Inheritance: Autosomal dominant, autosomal recessive and X linked inheritance.

Allele frequency attached by ClinVar (database versions not stated): gnomAD exomes 0.47778; 1000 Genomes Project 0.54633; 1000 Genomes Project 30x 0.55340; TOPMed 0.59530; gnomAD 0.60957 and 0.61189.
gnomAD v4.1: 85,747 of 140,954 alleles (61%); highest among the groups gnomAD compares: African/African-American, 68%; 25,492 homozygotes.

Submission:

Illumina Laboratory Services, Illumina
Classification: Benign for Retinitis pigmentosa. Last evaluated: 2018-01-13. Review status: criteria provided, single submitter. Criteria: ICSL Variant Classification Criteria 13 December 2019. Collection method: clinical testing. Allele origin: germline.
Comment: This variant was observed in the ICSL laboratory as part of a predisposition screen in an ostensibly healthy population. It had not been previously curated by ICSL or reported in the Human Gene Mutation Database (HGMD: prior to June 1st, 2018), and was therefore a candidate for classification through an automated scoring system. Utilizing variant allele frequency, disease prevalence and penetrance estimates, and inheritance mode, an automated score was calculated to assess if this variant is too frequent to cause the disease. Based on the score and internal cut-off values, a variant classified as benign is not then subjected to further curation. The score for this variant resulted in a classification of benign for this disease.